The following is an entry in ClinVar:

ClinVar aggregate classification (germline): Uncertain significance (1 of 4 stars; one submission).

Submission:

Labcorp Genetics (formerly Invitae), Labcorp
Classification: Uncertain significance. Last evaluated: 2022-12-25. Review status: criteria provided, single submitter. Criteria: Invitae Variant Classification Sherloc (09022015). Collection method: clinical testing. Allele origin: germline.
Comment: Algorithms developed to predict the effect of missense changes on protein structure and function (SIFT, PolyPhen-2, Align-GVGD) all suggest that this variant is likely to be tolerated. In summary, the available evidence is currently insufficient to determine the role of this variant in disease. Therefore, it has been classified as a Variant of Uncertain Significance. This variant has not been reported in the literature in individuals affected with DIP2C-related conditions. This sequence change replaces glutamic acid, which is acidic and polar, with glutamine, which is neutral and polar, at codon 14 of the DIP2C protein (p.Glu14Gln). This variant is not present in population databases (gnomAD no frequency).

NM_014974.3(DIP2C):c.40G>C (p.Glu14Gln)

Gene: DIP2C (DIP2 acetate--CoA ligase C (putative); minus strand). Cytogenetic location: 10p15.3.
Variant type: single nucleotide variant.
Coding change: c.40G>C on transcript NM_014974.3 (MANE Select); coding-DNA position 40, G replaced by C.
Protein change: p.Glu14Gln; replaces glutamic acid 14 with glutamine.
Molecular consequence: missense variant.
Genome position (GRCh38, 1-based): chr10:689,539, C>G on the plus strand (G>C on the coding strand, the complement: DIP2C is on the minus strand). VCF-style: chr10-689539-C-G. GRCh37 (hg19) VCF-style: chr10-735479-C-G.
Other names: short protein forms E14Q.
Identifiers: ClinVar variation 2042070 (VCV002042070.4), dbSNP rs1383184475, ClinGen allele CA375851864.
Genomic context (GRCh38, chr10:689,539, plus strand): 5'-CGGGGGCCCGGTTACCTTCCGACAGCTCCAGCTCCAGCTCGGCCAGGCGCGCCCGCACCT[C>G]CAGGGGCAGCGCCATGCCCTCCAGGCTGCGGTCCGCCATGCTCCGCGGGCGCCGCGCCCC-3'
Protein context (NP_055789.1, residues 4-24): RSLEGMALPL[Glu14Gln]VRARLAELEL